The following is an entry in ClinVar:

NM_001114753.3(ENG):c.320T>G (p.Leu107Arg)

Gene: ENG (endoglin; minus strand). Cytogenetic location: 9q34.11.
Variant type: single nucleotide variant.
Coding change: c.320T>G on transcript NM_001114753.3 (MANE Select); coding-DNA position 320, T replaced by G.
Protein change: p.Leu107Arg; replaces leucine 107 with arginine.
Molecular consequence: missense variant. On other transcripts: 5 prime UTR variant (1).
Genome position (GRCh38, 1-based): chr9:127,829,727, A>C on the plus strand (T>G on the coding strand, the complement: ENG is on the minus strand). VCF-style: chr9-127829727-A-C. GRCh37 (hg19) VCF-style: chr9-130592006-A-C.
Other names: c.320T>G, p.Leu107Arg (NM_000118.4, NM_001406715.1); c.-227T>G (NM_001278138.2); short protein forms L107R.
Identifiers: ClinVar variation 2735350 (VCV002735350.3), dbSNP rs2539083066, ClinGen allele CA374985867.

ClinVar aggregate classification (germline): Uncertain significance (1 of 4 stars; one submission).

Conditions:
Hereditary hemorrhagic telangiectasia (HHT). Also called: ORW DISEASE; Osler Weber Rendu syndrome; OSLER-RENDU-WEBER DISEASE; Osler hemorrhagic telangiectasia syndrome. Identifiers: Orphanet 774, MedGen C0039445, MONDO:0019180. Disease mechanism: loss of function.

Submission:

Labcorp Genetics (formerly Invitae), Labcorp
Classification: Uncertain significance for Hereditary hemorrhagic telangiectasia. Last evaluated: 2023-10-12. Review status: criteria provided, single submitter. Criteria: Invitae Variant Classification Sherloc (09022015). Collection method: clinical testing. Allele origin: germline.
Comment: This sequence change replaces leucine, which is neutral and non-polar, with arginine, which is basic and polar, at codon 107 of the ENG protein (p.Leu107Arg). This variant is not present in population databases (gnomAD no frequency). This missense change has been observed in individual(s) with hereditary hemorrhagic telangiectasia (HHT) (PMID: 15024723). Advanced modeling of protein sequence and biophysical properties (such as structural, functional, and spatial information, amino acid conservation, physicochemical variation, residue mobility, and thermodynamic stability) has been performed at Invitae for this missense variant, however the output from this modeling did not meet the statistical confidence thresholds required to predict the impact of this variant on ENG protein function. In summary, the available evidence is currently insufficient to determine the role of this variant in disease. Therefore, it has been classified as a Variant of Uncertain Significance.

Literature cited by the submitters: PubMed 15024723.